The following is an entry in ClinVar:

NM_000214.3(JAG1):c.734G>T (p.Cys245Phe)

Gene: JAG1 (jagged canonical Notch ligand 1; minus strand). Cytogenetic location: 20p12.2.
Variant type: single nucleotide variant.
Coding change: c.734G>T on transcript NM_000214.3 (MANE Select); coding-DNA position 734, G replaced by T.
Protein change: p.Cys245Phe; replaces cysteine 245 with phenylalanine.
Molecular consequence: missense variant.
Genome position (GRCh38, 1-based): chr20:10,656,419, C>A on the plus strand (G>T on the coding strand, the complement: JAG1 is on the minus strand). VCF-style: chr20-10656419-C-A. GRCh37 (hg19) VCF-style: chr20-10637067-C-A.
Other names: short protein forms C245F.
Identifiers: ClinVar variation 3573360 (VCV003573360.2).

Conditions:
Arteriohepatic dysplasia. Also called: Alagille Syndrome. Identifiers: Orphanet 52, MedGen C0085280, MeSH D016738, MONDO:0007318.

Submission:

Gilbert/Spinner Lab, Children's Hospital of Philadelphia
No classification provided (evidence only). Condition: Alagille syndrome. Review status: no classification provided. Collection method: research. Allele origin: not applicable. Functional consequence: functionally_abnormal.
ClinVar note: "not provided" was previously submitted as the classification for the variant. However, the classification appeared to be based only on an observation of functional data so it was converted to no classification on 2025-07-30.